The following is an entry in ClinVar:

NM_000059.4(BRCA2):c.4441G>A (p.Glu1481Lys)

Gene: BRCA2 (BRCA2 DNA repair associated; plus strand). Cytogenetic location: 13q13.1.
Variant type: single nucleotide variant.
Coding change: c.4441G>A on transcript NM_000059.4 (MANE Select); coding-DNA position 4441, G replaced by A.
Protein change: p.Glu1481Lys; replaces glutamic acid 1481 with lysine.
Molecular consequence: missense variant. On other transcripts: non-coding transcript variant (1), intron variant (2).
Genome position (GRCh38, 1-based): chr13:32,338,796, G>A. VCF-style: chr13-32338796-G-A. GRCh37 (hg19) VCF-style: chr13-32912933-G-A.
Other names: c.4441G>A, p.Glu1481Lys (NM_001406719.1, NM_001406720.1); c.1909+5409G>A (NM_001406721.1); c.425-5762G>A (NM_001406722.1); short protein forms E1481K.
Identifiers: ClinVar variation 2865327 (VCV002865327.4), dbSNP rs1555283785, ClinGen allele CA387781334.

ClinVar aggregate classification (germline): Uncertain significance. Review status: criteria provided, multiple submitters, no conflicts (2 of 4 stars). 2 submissions from 2 submitters: Uncertain significance (2). Last evaluated 2025-12-13.

Conditions:
Hereditary cancer-predisposing syndrome. Also called: Hereditary neoplastic syndrome; Tumor predisposition; Neoplastic Syndromes, Hereditary; Hereditary Cancer Syndrome. Identifiers: Orphanet 140162, MedGen C0027672, MeSH D009386, MONDO:0015356.
Hereditary breast ovarian cancer syndrome. Also called: Hereditary breast and ovarian cancer syndrome; Hereditary breast and/or ovarian cancer syndrome; BRCA1- and BRCA2-Associated Hereditary Breast and Ovarian Cancer; Hereditary breast and ovarian cancer syndrome (HBOC); Hereditary breast and ovarian cancer; Breast and ovarian cancer. Identifiers: Orphanet 145, MedGen C0677776, MeSH D061325, MONDO:0003582. Disease mechanism: loss of function.

Submissions (2):

Ambry Genetics
Classification: Uncertain significance for Hereditary cancer-predisposing syndrome. Last evaluated: 2025-12-13. Review status: criteria provided, single submitter. Criteria: Ambry Variant Classification Scheme 2023. Collection method: clinical testing. Allele origin: germline.
Comment: The p.E1481K variant (also known as c.4441G>A), located in coding exon 10 of the BRCA2 gene, results from a G to A substitution at nucleotide position 4441. The glutamic acid at codon 1481 is replaced by lysine, an amino acid with similar properties. This amino acid position is conserved. In addition, this alteration is predicted to be tolerated by in silico analysis. Based on the available evidence, the clinical significance of this variant remains unclear.

Labcorp Genetics (formerly Invitae), Labcorp
Classification: Uncertain significance for Hereditary breast ovarian cancer syndrome. Last evaluated: 2023-05-18. Review status: criteria provided, single submitter. Criteria: Invitae Variant Classification Sherloc (09022015). Collection method: clinical testing. Allele origin: germline.
Comment: Advanced modeling of protein sequence and biophysical properties (such as structural, functional, and spatial information, amino acid conservation, physicochemical variation, residue mobility, and thermodynamic stability) performed at Invitae indicates that this missense variant is not expected to disrupt BRCA2 protein function. In summary, the available evidence is currently insufficient to determine the role of this variant in disease. Therefore, it has been classified as a Variant of Uncertain Significance. This sequence change replaces glutamic acid, which is acidic and polar, with lysine, which is basic and polar, at codon 1481 of the BRCA2 protein (p.Glu1481Lys). This variant is not present in population databases (gnomAD no frequency). This variant has not been reported in the literature in individuals affected with BRCA2-related conditions.